The following is an entry in ClinVar:

ClinVar aggregate classification (germline): Uncertain significance (1 of 4 stars; one submission).

Submission:

GeneDx
Classification: Uncertain significance. Last evaluated: 2023-08-05. Review status: criteria provided, single submitter. Criteria: GeneDx Variant Classification Process June 2021. Collection method: clinical testing. Allele origin: germline. Affected: yes.
Comment: Not observed at significant frequency in large population cohorts (gnomAD); In silico analysis supports that this missense variant does not alter protein structure/function; Has not been previously published as pathogenic or benign to our knowledge

NM_181332.3(NLGN4X):c.1180G>A (p.Asp394Asn)

Gene: NLGN4X (neuroligin 4 X-linked; minus strand). Cytogenetic location: Xp22.32.
Variant type: single nucleotide variant.
Coding change: c.1180G>A on transcript NM_181332.3 (MANE Select); coding-DNA position 1180, G replaced by A.
Protein change: p.Asp394Asn; replaces aspartic acid 394 with asparagine.
Molecular consequence: missense variant.
Genome position (GRCh38, 1-based): chrX:5,903,498, C>T on the plus strand (G>A on the coding strand, the complement: NLGN4X is on the minus strand). VCF-style: chrX-5903498-C-T. GRCh37 (hg19) VCF-style: chrX-5821539-C-T.
Other names: c.1180G>A, p.Asp394Asn (NM_001282145.2, NM_001282146.2, NM_020742.4); short protein forms D394N.
Identifiers: ClinVar variation 3361767 (VCV003361767.1).